The following is an entry in ClinVar:

ClinVar aggregate classification (germline): Uncertain significance (1 of 4 stars; one submission).

Conditions:
Cardiovascular phenotype. Identifiers: MedGen CN230736.

Submission:

Ambry Genetics
Classification: Uncertain significance for Cardiovascular phenotype. Last evaluated: 2023-06-22. Review status: criteria provided, single submitter. Criteria: Ambry Variant Classification Scheme 2023. Collection method: clinical testing. Allele origin: germline.
Comment: The p.P13H variant (also known as c.38C>A), located in coding exon 1 of the JAG1 gene, results from a C to A substitution at nucleotide position 38. The proline at codon 13 is replaced by histidine, an amino acid with similar properties. This amino acid position is conserved. In addition, the in silico prediction for this alteration is inconclusive. Since supporting evidence is limited at this time, the clinical significance of this alteration remains unclear.

NM_000214.3(JAG1):c.38C>A (p.Pro13His)

Gene: JAG1 (jagged canonical Notch ligand 1; minus strand). Cytogenetic location: 20p12.2.
Variant type: single nucleotide variant.
Coding change: c.38C>A on transcript NM_000214.3 (MANE Select); coding-DNA position 38, C replaced by A.
Protein change: p.Pro13His; replaces proline 13 with histidine.
Molecular consequence: missense variant.
Genome position (GRCh38, 1-based): chr20:10,673,493, G>T on the plus strand (C>A on the coding strand, the complement: JAG1 is on the minus strand). VCF-style: chr20-10673493-G-T. GRCh37 (hg19) VCF-style: chr20-10654141-G-T.
Other names: short protein forms P13H.
Identifiers: ClinVar variation 2586938 (VCV002586938.2), dbSNP rs2067513361, ClinGen allele CA408244228.